The following is an entry in ClinVar:

NC_000004.11:g.(?_55161282)_(55161473_?)del

Gene: PDGFRA (platelet derived growth factor receptor alpha; plus strand). Cytogenetic location: 4q12.
Variant type: Deletion.
Identifiers: ClinVar variation 2425526 (VCV002425526.11).

ClinVar aggregate classification (germline): Uncertain significance (1 of 4 stars; one submission).

Conditions:
Gastrointestinal stromal tumor. Also called: Gastrointestinal stroma tumor; Gastrointestinal stromal tumor, somatic. Identifiers: Orphanet 44890, MedGen C0238198, MeSH D046152, MONDO:0011719, OMIM 606764, HP:0100723.

Submission:

Labcorp Genetics (formerly Invitae), Labcorp
Classification: Uncertain significance for Gastrointestinal stromal tumor. Last evaluated: 2022-05-12. Review status: criteria provided, single submitter. Criteria: Invitae Variant Classification Sherloc (09022015). Collection method: clinical testing. Allele origin: germline.
Comment: This variant is a gross deletion of the genomic region encompassing exon(s) 23 of the PDGFRA gene, which includes the termination codon. This deletion extends beyond the assayed region for this gene and therefore may encompass additional genes. While this deletion is not anticipated to lead to nonsense mediated decay, it is expected to alter mRNA translation or result in a truncated protein product. This variant has not been reported in the literature in individuals affected with PDGFRA-related conditions. Experimental studies and prediction algorithms are not available or were not evaluated, and the functional significance of this variant is currently unknown. In summary, the available evidence is currently insufficient to determine the role of this variant in disease. Therefore, it has been classified as a Variant of Uncertain Significance.